The following is an entry in ClinVar:

ClinVar aggregate classification (germline): Pathogenic (1 of 4 stars; one submission).

Conditions:
Primary ciliary dyskinesia. Also called: Ciliary dyskinesia. Identifiers: Orphanet 244, MedGen C0008780, MONDO:0016575, HP:0012265.

Allele frequency attached by ClinVar (database versions not stated): gnomAD exomes below 0.00001.

Submission:

Labcorp Genetics (formerly Invitae), Labcorp
Classification: Pathogenic for Primary ciliary dyskinesia. Last evaluated: 2025-02-23. Review status: criteria provided, single submitter. Criteria: Invitae Variant Classification Sherloc (09022015). Collection method: clinical testing. Allele origin: germline.
Comment: This sequence change creates a premature translational stop signal (p.Val3270Trpfs*2) in the DNAH11 gene. It is expected to result in an absent or disrupted protein product. Loss-of-function variants in DNAH11 are known to be pathogenic (PMID: 18022865, 20513915, 22184204). This variant is not present in population databases (gnomAD no frequency). This variant has not been reported in the literature in individuals affected with DNAH11-related conditions. ClinVar contains an entry for this variant (Variation ID: 2025084). For these reasons, this variant has been classified as Pathogenic.

Literature cited by the submitters: PubMed 18022865; PubMed 20513915; PubMed 22184204.

NM_001277115.2(DNAH11):c.9808del (p.Val3270fs)

Gene: DNAH11 (dynein axonemal heavy chain 11; plus strand). Cytogenetic location: 7p15.3.
Variant type: Deletion.
Coding change: c.9808del on transcript NM_001277115.2 (MANE Select); coding-DNA position 9808, one base deleted (G; older notation c.9808delG).
Protein change: p.Val3270fs; shifts the reading frame from valine 3270.
Molecular consequence: frameshift variant.
Genome position (GRCh38, 1-based): chr7:21,787,467, G deleted. VCF-style (leftmost placement, unchanged base first): chr7-21787466-AG-A. GRCh37 (hg19) VCF-style: chr7-21827084-AG-A.
Other names: c.9829delG, p.Val3277Trpfs (NM_003777.3); short protein forms V3270fs.
Identifiers: ClinVar variation 2025084 (VCV002025084.4), dbSNP rs2535262841, ClinGen allele CA2580076932.